The following is an entry in ClinVar:

NM_004974.4(KCNA2):c.555G>A (p.Leu185=)

Gene: KCNA2 (potassium voltage-gated channel subfamily A member 2; minus strand). Cytogenetic location: 1p13.3.
Variant type: single nucleotide variant.
Coding change: c.555G>A on transcript NM_004974.4 (MANE Select); coding-DNA position 555, G replaced by A.
Protein change: p.Leu185=; no amino-acid change (leucine 185 retained).
Molecular consequence: synonymous variant.
Genome position (GRCh38, 1-based): chr1:110,604,228, C>T on the plus strand (G>A on the coding strand, the complement: KCNA2 is on the minus strand). VCF-style: chr1-110604228-C-T. GRCh37 (hg19) VCF-style: chr1-111146850-C-T.
Other names: c.555G>A, p.Leu185= (NM_001204269.2).
Identifiers: ClinVar variation 1165634 (VCV001165634.24), dbSNP rs553243804, ClinGen allele CA1000703.
Genomic context (GRCh38, chr1:110,604,228, plus strand): 5'-ATAGGTGTGGAAGGTCACCCCACTACCATGCATGTCTTCATTCTCATCCCGGAAGATGGG[C>T]AATGTTTCCAGACAGAAGCTGACAATTGAGATCAGAATCACCATGACAGACACAATAGCT-3'
Protein context (NP_004965.1, residues 175-195): ISIVSFCLET[Leu185=]PIFRDENEDM

ClinVar aggregate classification (germline): Benign/Likely benign. Review status: criteria provided, multiple submitters, no conflicts (2 of 4 stars). 3 submissions from 3 submitters: Benign (1); Likely benign (2). Last evaluated 2025-10-20.

Conditions:
Developmental and epileptic encephalopathy, 32 (DEE32). Also called: Epileptic encephalopathy, early infantile, 32. Identifiers: Orphanet 442835, MedGen C4225350, MONDO:0014607, OMIM 616366.

Allele frequency attached by ClinVar (database versions not stated): gnomAD 0.00001 and 0.00007; TOPMed 0.00002; gnomAD exomes 0.00009 and 0.00018; ExAC 0.00016; 1000 Genomes Project 0.00040; 1000 Genomes Project 30x 0.00047.
gnomAD v4.1: 151 of 1,614,160 alleles (0.0094%); highest among the groups gnomAD compares: South Asian, 0.15%; no homozygotes.

Submissions (3):

Labcorp Genetics (formerly Invitae), Labcorp
Classification: Benign for Developmental and epileptic encephalopathy, 32. Last evaluated: 2025-10-20. Review status: criteria provided, single submitter. Criteria: Invitae Variant Classification Sherloc (09022015). Collection method: clinical testing. Allele origin: germline.

CeGaT Center for Human Genetics Tuebingen
Classification: Likely benign. Last evaluated: 2024-11-01. Review status: criteria provided, single submitter. Criteria: CeGaT Center For Human Genetics Tuebingen Variant Classification Criteria Version 2. Collection method: clinical testing. Allele origin: germline. Affected: yes. Observed: 1 variant allele.
Comment: KCNA2: BP4, BS1

Blueprint Genetics
Classification: Likely benign. Last evaluated: 2023-07-18. Review status: criteria provided, single submitter. Criteria: ACMG Guidelines, 2015. Collection method: clinical testing. Allele origin: germline.